The following is an entry in ClinVar:

ClinVar aggregate classification (germline): Uncertain significance (1 of 4 stars; one submission).

Conditions:
Cornelia de Lange syndrome 5 (CDLS5). Also called: HDAC8-Related Cornelia de Lange Syndrome. Identifiers: Orphanet 199, MedGen C3550903, MONDO:0010471, OMIM 300882.

Submission:

Illumina Laboratory Services, Illumina
Classification: Uncertain significance for Cornelia de Lange syndrome 5. Last evaluated: 2023-07-26. Review status: criteria provided, single submitter. Criteria: ICSLVariantClassificationCriteria RUGD 01 April 2020. Collection method: clinical testing. Allele origin: unknown.
Comment: The HDAC8 c.296-13T>G variant occurs in an intron but is predicted to affect splicing. To our knowledge, this variant has not been reported in the peer-reviewed literature. It is not observed in version 2.1.1 or version 3.1.2 of the Genome Aggregation Database. This variant was identified in a de novo state. Based on the available evidence, the c.296-13T>G variant is classified as a variant of uncertain significance for Cornelia de Lange syndrome.

NM_018486.3(HDAC8):c.296-13T>G

Gene: HDAC8 (histone deacetylase 8; minus strand). Cytogenetic location: Xq13.1.
Variant type: single nucleotide variant.
Coding change: c.296-13T>G on transcript NM_018486.3 (MANE Select); 13 bases into the intron before coding-DNA position 296, T replaced by G.
Molecular consequence: intron variant.
Genome position (GRCh38, 1-based): chrX:72,568,043, A>C on the plus strand (T>G on the coding strand, the complement: HDAC8 is on the minus strand). VCF-style: chrX-72568043-A-C. GRCh37 (hg19) VCF-style: chrX-71787893-A-C.
Other names: c.164+4014T>G (NM_001166418.2, NM_001410728.1, NM_001166448.2); c.296-13T>G (NM_001410727.1, NM_001410725.1, NM_001410729.1 and 4 more transcripts).
Identifiers: ClinVar variation 2637949 (VCV002637949.1), dbSNP rs2522168592, ClinGen allele CA2695197168.